The following is an entry in ClinVar:

NM_012123.4(MTO1):c.220C>T (p.Gln74Ter)

Gene: MTO1 (mitochondrial tRNA translation optimization 1; plus strand). Cytogenetic location: 6q13.
Variant type: single nucleotide variant.
Coding change: c.220C>T on transcript NM_012123.4 (MANE Select); coding-DNA position 220, C replaced by T.
Protein change: p.Gln74Ter; replaces glutamine 74 with a stop codon.
Molecular consequence: nonsense.
Genome position (GRCh38, 1-based): chr6:73,466,211, C>T. VCF-style: chr6-73466211-C-T. GRCh37 (hg19) VCF-style: chr6-74175934-C-T.
Other names: c.220C>T, p.Gln74Ter (NM_001123226.2, NM_133645.3); short protein forms Q74*.
Identifiers: ClinVar variation 5007089 (VCV005007089.2).

ClinVar aggregate classification (germline): Likely pathogenic (1 of 4 stars; one submission).

Conditions:
Mitochondrial hypertrophic cardiomyopathy with lactic acidosis due to MTO1 deficiency. Also called: Combined oxidative phosphorylation deficiency 10; CARDIOMYOPATHY, INFANTILE HYPERTROPHIC MITOCHONDRIAL, AND LACTIC ACIDOSIS. Identifiers: Orphanet 314637, MedGen C4749921, MONDO:0013865, OMIM 614702.

gnomAD v4.1: 1 of 1,611,046 alleles (0.000062%); highest among the groups gnomAD compares: East Asian, 0.0022%; no homozygotes.

Submission:

Juno Genomics, Hangzhou Juno Genomics, Inc
Classification: Likely pathogenic for Mitochondrial hypertrophic cardiomyopathy with lactic acidosis due to MTO1 deficiency. Review status: criteria provided, single submitter. Criteria: ACMG Guidelines, 2015. Collection method: clinical testing. Allele origin: germline.
Comment: Null variant in a gene where loss of function (LOF) is a known mechanism of disease.;Absent from controls (or at extremely low frequency if recessive) in Genome Aggregation Database.